The following is an entry in ClinVar:

ClinVar aggregate classification (germline): Uncertain significance (1 of 4 stars; one submission).

Conditions:
Hereditary cancer-predisposing syndrome. Also called: Tumor predisposition; Hereditary Cancer Syndrome; Hereditary neoplastic syndrome; Neoplastic Syndromes, Hereditary. Identifiers: Orphanet 140162, MedGen C0027672, MeSH D009386, MONDO:0015356.

Submission:

Ambry Genetics
Classification: Uncertain significance for Hereditary cancer-predisposing syndrome. Last evaluated: 2024-04-10. Review status: criteria provided, single submitter. Criteria: Ambry Variant Classification Scheme 2023. Collection method: clinical testing. Allele origin: germline.
Comment: The p.Y991F variant (also known as c.2972A>T), located in coding exon 21 of the MSH3 gene, results from an A to T substitution at nucleotide position 2972. The tyrosine at codon 991 is replaced by phenylalanine, an amino acid with highly similar properties. This amino acid position is conserved. In addition, the in silico prediction for this alteration is inconclusive. Based on the available evidence, the clinical significance of this variant remains unclear.

NM_002439.5(MSH3):c.2972A>T (p.Tyr991Phe)

Gene: MSH3 (mutS homolog 3; plus strand). Cytogenetic location: 5q14.1.
Variant type: single nucleotide variant.
Coding change: c.2972A>T on transcript NM_002439.5 (MANE Select); coding-DNA position 2972, A replaced by T.
Protein change: p.Tyr991Phe; replaces tyrosine 991 with phenylalanine.
Molecular consequence: missense variant.
Genome position (GRCh38, 1-based): chr5:80,854,288, A>T. VCF-style: chr5-80854288-A-T. GRCh37 (hg19) VCF-style: chr5-80150107-A-T.
Other names: short protein forms Y991F.
Identifiers: ClinVar variation 3296274 (VCV003296274.1).